The following is an entry in ClinVar:

NM_005422.4(TECTA):c.5495T>A (p.Ile1832Asn)

Genes: TBCEL-TECTA (TBCEL-TECTA readthrough; plus strand), TECTA (tectorin alpha; plus strand). Cytogenetic location: 11q23.3.
Variant type: single nucleotide variant.
Coding change: c.5495T>A on transcript NM_005422.4 (MANE Select); coding-DNA position 5495, T replaced by A.
Protein change: p.Ile1832Asn; replaces isoleucine 1832 with asparagine.
Molecular consequence: missense variant.
Genome position (GRCh38, 1-based): chr11:121,166,689, T>A. VCF-style: chr11-121166689-T-A. GRCh37 (hg19) VCF-style: chr11-121037398-T-A.
Other names: c.6437T>A, p.Ile2146Asn (NM_001378761.1); short protein forms I2146N, I1832N.
Identifiers: ClinVar variation 3634414 (VCV003634414.2).

ClinVar aggregate classification (germline): Uncertain significance (1 of 4 stars; one submission).

Submission:

Labcorp Genetics (formerly Invitae), Labcorp
Classification: Uncertain significance. Last evaluated: 2024-05-28. Review status: criteria provided, single submitter. Criteria: Invitae Variant Classification Sherloc (09022015). Collection method: clinical testing. Allele origin: germline.
Comment: This sequence change replaces isoleucine, which is neutral and non-polar, with asparagine, which is neutral and polar, at codon 1832 of the TECTA protein (p.Ile1832Asn). This variant is not present in population databases (gnomAD no frequency). This variant has not been reported in the literature in individuals affected with TECTA-related conditions. Advanced modeling of protein sequence and biophysical properties (such as structural, functional, and spatial information, amino acid conservation, physicochemical variation, residue mobility, and thermodynamic stability) performed at Invitae indicates that this missense variant is not expected to disrupt TECTA protein function with a negative predictive value of 95%. In summary, the available evidence is currently insufficient to determine the role of this variant in disease. Therefore, it has been classified as a Variant of Uncertain Significance.